The following is an entry in ClinVar:

ClinVar aggregate classification (germline): Uncertain significance (1 of 4 stars; one submission).

Conditions:
KIDINS220-related disorder. Also called: KIDINS220-related condition.

gnomAD v4.1: 10 of 1,612,158 alleles (0.00062%); highest among the groups gnomAD compares: African/African-American, 0.0027%; no homozygotes.

Submission:

PreventionGenetics, part of Exact Sciences
Classification: Uncertain significance for KIDINS220-related condition. Last evaluated: 2025-05-06. Review status: criteria provided, single submitter. Criteria: ACMG Guidelines, 2015. Collection method: clinical testing. Allele origin: germline.
Comment: The KIDINS220 c.3073A>G variant is predicted to result in the amino acid substitution p.Ile1025Val. To our knowledge, this variant has not been reported in the literature. This variant is reported in 0.0065% of alleles in individuals of African descent in gnomAD. At this time, the clinical significance of this variant is uncertain due to the absence of conclusive functional and genetic evidence.

NM_020738.4(KIDINS220):c.3073A>G (p.Ile1025Val)

Gene: KIDINS220 (kinase D interacting substrate 220; minus strand). Cytogenetic location: 2p25.1.
Variant type: single nucleotide variant.
Coding change: c.3073A>G on transcript NM_020738.4 (MANE Select); coding-DNA position 3073, A replaced by G.
Protein change: p.Ile1025Val; replaces isoleucine 1025 with valine.
Molecular consequence: missense variant. On other transcripts: non-coding transcript variant (2).
Genome position (GRCh38, 1-based): chr2:8,751,583, T>C on the plus strand (A>G on the coding strand, the complement: KIDINS220 is on the minus strand). VCF-style: chr2-8751583-T-C. GRCh37 (hg19) VCF-style: chr2-8891713-T-C.
Other names: c.3076A>G, p.Ile1026Val (NM_001348729.2, NM_001348731.2, NM_001348734.2 and 2 more transcripts); c.3073A>G, p.Ile1025Val (NM_001348732.2, NM_001348735.2, NM_001348738.2 and 3 more transcripts); c.2947A>G, p.Ile983Val (NM_001348736.2); short protein forms I1025V, I1026V, I983V.
Identifiers: ClinVar variation 4989018 (VCV004989018.1).